The following is an entry in ClinVar:

NM_198253.3(TERT):c.3068A>G (p.Gln1023Arg)

Gene: TERT (telomerase reverse transcriptase; minus strand). Cytogenetic location: 5p15.33.
Variant type: single nucleotide variant.
Coding change: c.3068A>G on transcript NM_198253.3 (MANE Select); coding-DNA position 3068, A replaced by G.
Protein change: p.Gln1023Arg; replaces glutamine 1023 with arginine.
Molecular consequence: missense variant. On other transcripts: non-coding transcript variant (2).
Genome position (GRCh38, 1-based): chr5:1,255,376, T>C on the plus strand (A>G on the coding strand, the complement: TERT is on the minus strand). VCF-style: chr5-1255376-T-C. GRCh37 (hg19) VCF-style: chr5-1255491-T-C.
Other names: c.2879A>G, p.Gln960Arg (NM_001193376.3); short protein forms Q1023R, Q960R.
Identifiers: ClinVar variation 4561893 (VCV004561893.1).

ClinVar aggregate classification (germline): Uncertain significance (1 of 4 stars; one submission).

Conditions:
Dyskeratosis congenita. Identifiers: Orphanet 1775, MedGen C0265965, MONDO:0015780.

Submission:

Ambry Genetics
Classification: Uncertain significance for Dyskeratosis congenita. Last evaluated: 2025-11-20. Review status: criteria provided, single submitter. Criteria: Ambry Variant Classification Scheme 2023. Collection method: clinical testing. Allele origin: germline.
Comment: The p.Q1023R variant (also known as c.3068A>G), located in coding exon 14 of the TERT gene, results from an A to G substitution at nucleotide position 3068. The glutamine at codon 1023 is replaced by arginine, an amino acid with highly similar properties. This amino acid position is conserved. In addition, the in silico prediction for this alteration is inconclusive. Based on the available evidence, the clinical significance of this variant remains unclear.